The following is an entry in ClinVar:

ClinVar aggregate classification (germline): Likely benign. Review status: criteria provided, multiple submitters, no conflicts (2 of 4 stars). 2 submissions from 2 submitters: Likely benign (2). Last evaluated 2025-06-18.

Conditions:
C4BPA-related disorder. Also called: C4BPA-related condition.

gnomAD v4.1: 6,105 of 1,604,248 alleles (0.38%); highest among the groups gnomAD compares: Middle Eastern, 1.3%; 18 homozygotes.

Submissions (7):

PreventionGenetics, part of Exact Sciences
Classification: Likely benign for C4BPA-related condition. Last evaluated: 2025-06-18. Review status: criteria provided, single submitter. Criteria: ACMG Guidelines, 2015. Collection method: clinical testing. Allele origin: germline.
Comment: This variant is classified as likely benign based on ACMG/AMP sequence variant interpretation guidelines (Richards et al. 2015 PMID: 25741868, with internal and published modifications).

Blueprint Genetics
Classification: Likely benign. Last evaluated: 2024-11-25. Review status: criteria provided, single submitter. Criteria: ACMG Guidelines, 2015. Collection method: clinical testing. Allele origin: germline.

Dr. Peter K. Rogan Lab, Western University
No classification provided (evidence only). Condition: Lung cancer. Review status: no classification provided. Collection method: in vitro. Allele origin: not applicable. Functional consequence: retained intron. Not counted in ClinVar's aggregate classification.

Dr. Peter K. Rogan Lab, Western University
No classification provided (evidence only). Condition: Hepatocellular carcinoma. Review status: no classification provided. Collection method: in vitro. Allele origin: not applicable. Functional consequence: retained intron. Not counted in ClinVar's aggregate classification.

Dr. Peter K. Rogan Lab, Western University
No classification provided (evidence only). Condition: Hepatocellular carcinoma. Review status: no classification provided. Collection method: in vitro. Allele origin: not applicable. Functional consequence: retained intron. Not counted in ClinVar's aggregate classification.

Dr. Peter K. Rogan Lab, Western University
No classification provided (evidence only). Condition: Hepatocellular carcinoma. Review status: no classification provided. Collection method: in vitro. Allele origin: not applicable. Functional consequence: retained intron. Not counted in ClinVar's aggregate classification.

Dr. Peter K. Rogan Lab, Western University
No classification provided (evidence only). Condition: Gastric cancer. Review status: no classification provided. Collection method: in vitro. Allele origin: not applicable. Functional consequence: retained intron. Not counted in ClinVar's aggregate classification.

NM_000715.4(C4BPA):c.1268G>A (p.Gly423Glu)

Gene: C4BPA (complement component 4 binding protein alpha; plus strand). Cytogenetic location: 1q32.2.
Variant type: single nucleotide variant.
Coding change: c.1268G>A on transcript NM_000715.4 (MANE Select); coding-DNA position 1268, G replaced by A.
Protein change: p.Gly423Glu; replaces glycine 423 with glutamic acid.
Molecular consequence: missense variant.
Genome position (GRCh38, 1-based): chr1:207,134,587, G>A. VCF-style: chr1-207134587-G-A. GRCh37 (hg19) VCF-style: chr1-207307932-G-A.
Other names: NC_000001.10:g.207307932G>A; c.1268G>A (NM_000715.3); short protein forms G423E.
Identifiers: ClinVar variation 4354464 (VCV004354464.3).